The following is an entry in ClinVar:

NM_032409.3(PINK1):c.1173T>C (p.Asp391=)

Genes: PINK1 (PTEN induced kinase 1; plus strand), PINK1-AS (PINK1 antisense RNA; minus strand). Cytogenetic location: 1p36.12.
Variant type: single nucleotide variant.
Coding change: c.1173T>C on transcript NM_032409.3 (MANE Select); coding-DNA position 1173, T replaced by C.
Protein change: p.Asp391=; no amino-acid change (aspartic acid 391 retained).
Molecular consequence: synonymous variant. On other transcripts: non-coding transcript variant (1).
Genome position (GRCh38, 1-based): chr1:20,648,554, T>C. VCF-style: chr1-20648554-T-C. GRCh37 (hg19) VCF-style: chr1-20975047-T-C.
Identifiers: ClinVar variation 534248 (VCV000534248.22), dbSNP rs45499398, ClinGen allele CA660726.
Genomic context (GRCh38, chr1:20,648,554, plus strand): 5'-CTCCTTCCCAGACGGCTGCCCCTGGCTGGTGATCGCAGATTTTGGCTGCTGCCTGGCTGA[T>C]GAGAGCATCGGCCTGCAGTTGCCCTTCAGCAGCTGGTACGTGGATCGGGGCGGAAACGGC-3'
Protein context (NP_115785.1, residues 381-401): VIADFGCCLA[Asp391=]ESIGLQLPFS

ClinVar aggregate classification (germline): Benign/Likely benign. Review status: criteria provided, multiple submitters, no conflicts (2 of 4 stars). 6 submissions from 6 submitters: Benign (3); Likely benign (3). Last evaluated 2026-01-19.

Conditions:
Autosomal recessive early-onset Parkinson disease 6 (PARK6). Also called: PARKINSON DISEASE 6, MODIFIER OF; PINK1-Related Parkinson Disease; PARKINSON DISEASE 6, EARLY-ONSET; PINK1 Type of Young-Onset Parkinson Disease. Identifiers: Orphanet 2828, MedGen C1853833, MONDO:0011613, OMIM 605909.

Allele frequency attached by ClinVar (database versions not stated): gnomAD exomes 0.00098 and 0.00302; ExAC 0.00357; 1000 Genomes Project 30x 0.00984; 1000 Genomes Project 0.00998; gnomAD 0.01093 and 0.01177; ESP Exome Variant Server 0.01223; TOPMed 0.01243.
gnomAD v4.1: 3,201 of 1,614,130 alleles (0.2%); highest among the groups gnomAD compares: African/African-American, 3.6%; 46 homozygotes.

Submissions (6):

Labcorp Genetics (formerly Invitae), Labcorp
Classification: Benign for Autosomal recessive early-onset Parkinson disease 6. Last evaluated: 2026-01-19. Review status: criteria provided, single submitter. Criteria: Invitae Variant Classification Sherloc (09022015). Collection method: clinical testing. Allele origin: germline.

Fulgent Genetics
Classification: Benign for Autosomal recessive early-onset Parkinson disease 6. Last evaluated: 2021-08-05. Review status: criteria provided, single submitter. Criteria: ACMG Guidelines, 2015. Collection method: clinical testing. Allele origin: unknown.

GeneDx
Classification: Likely benign. Last evaluated: 2020-05-09. Review status: criteria provided, single submitter. Criteria: GeneDx Variant Classification Process June 2021. Collection method: clinical testing. Allele origin: germline. Affected: yes.

Athena Diagnostics
Classification: Benign. Last evaluated: 2018-07-18. Review status: criteria provided, single submitter. Criteria: Athena Diagnostics Criteria. Collection method: clinical testing. Allele origin: germline.

Illumina Laboratory Services, Illumina
Classification: Likely benign for Autosomal recessive early-onset Parkinson disease 6. Last evaluated: 2017-04-28. Review status: criteria provided, single submitter. Criteria: ICSL Variant Classification Criteria 13 December 2019. Collection method: clinical testing. Allele origin: germline.
Comment: This variant was observed as part of a predisposition screen in an ostensibly healthy population. A literature search was performed for the gene, cDNA change, and amino acid change (where applicable). Publications were found based on this search. The evidence from the literature, in combination with allele frequency data from public databases where available, was sufficient to determine this variant is unlikely to cause disease. Therefore, this variant is classified as likely benign.

Breakthrough Genomics
Classification: Likely benign. Review status: criteria provided, single submitter. Criteria: ACMG Guidelines, 2015. Collection method: not provided. Allele origin: germline. Inheritance: Autosomal recessive inheritance. Affected: yes.

Literature cited by the submitters: PubMed 24167364 (cited by Athena Diagnostics and Illumina Laboratory Services, Illumina); PubMed 20506312 (cited by Athena Diagnostics); PubMed 22445250 (cited by Athena Diagnostics and Illumina Laboratory Services, Illumina); PubMed 15596610 (cited by Athena Diagnostics); PubMed 19087301 (cited by Athena Diagnostics and Illumina Laboratory Services, Illumina); PubMed 16009891 (cited by Illumina Laboratory Services, Illumina); PubMed 23459931 (cited by Illumina Laboratory Services, Illumina); PubMed 16401616 (cited by Illumina Laboratory Services, Illumina).